The following is an entry in ClinVar:

NM_001174084.2(POLL):c.1287C>T (p.Asp429=)

Gene: POLL (DNA polymerase lambda; minus strand). Cytogenetic location: 10q24.32.
Variant type: single nucleotide variant.
Coding change: c.1287C>T on transcript NM_001174084.2 (MANE Select); coding-DNA position 1287, C replaced by T.
Protein change: p.Asp429=; no amino-acid change (aspartic acid 429 retained).
Molecular consequence: synonymous variant. On other transcripts: non-coding transcript variant (1).
Genome position (GRCh38, 1-based): chr10:101,580,324, G>A on the plus strand (C>T on the coding strand, the complement: POLL is on the minus strand). VCF-style: chr10-101580324-G-A. GRCh37 (hg19) VCF-style: chr10-103340081-G-A.
Other names: c.1011C>T, p.Asp337= (NM_001174085.2); c.462C>T, p.Asp154= (NM_001308382.2); c.1287C>T, p.Asp429= (NM_013274.4).
Identifiers: ClinVar variation 3024781 (VCV003024781.22), dbSNP rs41562219, ClinGen allele CA5656453.
Genomic context (GRCh38, chr10:101,580,324, plus strand): 5'-GTCAAGGAGGCGGCTGAAGATACCCCGGTGGGACCGGCCATCTGGGTGAGTGATGAGCAC[G>A]TCGACATCACCACAGGTCGCCTTTCCCCGTCGGTATGAACCACATGCCACACACAGCAGC-3'
Protein context (NP_001167555.1, residues 419-439): RRGKATCGDV[Asp429=]VLITHPDGRS

ClinVar aggregate classification (germline): Likely benign (1 of 4 stars; one submission).

Allele frequency attached by ClinVar (database versions not stated): 1000 Genomes Project 0.00200; 1000 Genomes Project 30x 0.00219; ExAC 0.00336; gnomAD 0.00407; TOPMed 0.00422; ESP Exome Variant Server 0.00500; gnomAD exomes 0.00622.

Submission:

CeGaT Center for Human Genetics Tuebingen
Classification: Likely benign. Last evaluated: 2024-02-01. Review status: criteria provided, single submitter. Criteria: CeGaT Center For Human Genetics Tuebingen Variant Classification Criteria Version 2. Collection method: clinical testing. Allele origin: germline. Affected: yes. Observed: 1 variant allele.
Comment: POLL: BP4, BP7, BS2